The following is an entry in ClinVar:

ClinVar aggregate classification (germline): Uncertain significance (1 of 4 stars; one submission).

Conditions:
Cardiovascular phenotype. Identifiers: MedGen CN230736.

Submission:

Ambry Genetics
Classification: Uncertain significance for Cardiovascular phenotype. Last evaluated: 2026-07-01. Review status: criteria provided, single submitter. Criteria: Ambry Variant Classification Scheme 2023. Collection method: clinical testing. Allele origin: germline.
Comment: The p.K3501N variant (also known as c.10503G>C), located in coding exon 26 of the APOB gene, results from a G to C substitution at nucleotide position 10503. The lysine at codon 3501 is replaced by asparagine, an amino acid with similar properties. This amino acid position is conserved. In addition, this alteration is predicted to be tolerated by in silico analysis. Based on the available evidence, the clinical significance of this variant remains unclear.

NM_000384.3(APOB):c.10503G>C (p.Lys3501Asn)

Gene: APOB (apolipoprotein B; minus strand). Cytogenetic location: 2p24.1.
Variant type: single nucleotide variant.
Coding change: c.10503G>C on transcript NM_000384.3 (MANE Select); coding-DNA position 10503, G replaced by C.
Protein change: p.Lys3501Asn; replaces lysine 3501 with asparagine.
Molecular consequence: missense variant.
Genome position (GRCh38, 1-based): chr2:21,006,365, C>G on the plus strand (G>C on the coding strand, the complement: APOB is on the minus strand). VCF-style: chr2-21006365-C-G. GRCh37 (hg19) VCF-style: chr2-21229237-C-G.
Other names: short protein forms K3501N.
Identifiers: ClinVar variation 5027032 (VCV005027032.1).